The following is an entry in ClinVar:

NM_017617.5(NOTCH1):c.3845A>G (p.Gln1282Arg)

Gene: NOTCH1 (notch receptor 1; minus strand). Cytogenetic location: 9q34.3.
Variant type: single nucleotide variant.
Coding change: c.3845A>G on transcript NM_017617.5 (MANE Select); coding-DNA position 3845, A replaced by G.
Protein change: p.Gln1282Arg; replaces glutamine 1282 with arginine.
Molecular consequence: missense variant.
Genome position (GRCh38, 1-based): chr9:136,506,772, T>C on the plus strand (A>G on the coding strand, the complement: NOTCH1 is on the minus strand). VCF-style: chr9-136506772-T-C. GRCh37 (hg19) VCF-style: chr9-139401224-T-C.
Other names: short protein forms Q1282R.
Identifiers: ClinVar variation 1309281 (VCV001309281.2), dbSNP rs1589059763, ClinGen allele CA375549059.

ClinVar aggregate classification (germline): Uncertain significance (1 of 4 stars; one submission).

Submission:

GeneDx
Classification: Uncertain significance. Last evaluated: 2019-10-23. Review status: criteria provided, single submitter. Criteria: GeneDx Variant Classification Process June 2021. Collection method: clinical testing. Allele origin: germline. Affected: yes.
Comment: Not observed in large population cohorts (Lek et al., 2016); In silico analysis, which includes protein predictors and evolutionary conservation, supports that this variant does not alter protein structure/function; Has not been previously published as pathogenic or benign to our knowledge